The following is an entry in ClinVar:

NM_003079.5(SMARCE1):c.683A>G (p.Lys228Arg)

Gene: SMARCE1 (SWI/SNF related BAF chromatin remodeling complex subunit E1; minus strand). Cytogenetic location: 17q21.2.
Variant type: single nucleotide variant.
Coding change: c.683A>G on transcript NM_003079.5 (MANE Select); coding-DNA position 683, A replaced by G.
Protein change: p.Lys228Arg; replaces lysine 228 with arginine.
Molecular consequence: missense variant.
Genome position (GRCh38, 1-based): chr17:40,632,226, T>C on the plus strand (A>G on the coding strand, the complement: SMARCE1 is on the minus strand). VCF-style: chr17-40632226-T-C. GRCh37 (hg19) VCF-style: chr17-38788478-T-C.
Other names: c.683A>G (NM_003079.4); short protein forms K228R.
Identifiers: ClinVar variation 1431854 (VCV001431854.8), dbSNP rs2037102487, ClinGen allele CA399364599.

ClinVar aggregate classification (germline): Uncertain significance. Review status: criteria provided, multiple submitters, no conflicts (2 of 4 stars). 2 submissions from 2 submitters: Uncertain significance (2). Last evaluated 2026-01-19.

Conditions:
Hereditary cancer-predisposing syndrome. Also called: Hereditary Cancer Syndrome; Hereditary neoplastic syndrome; Neoplastic Syndromes, Hereditary; Tumor predisposition. Identifiers: Orphanet 140162, MedGen C0027672, MeSH D009386, MONDO:0015356.
Familial meningioma. Also called: Meningioma, familial, susceptibility to. Identifiers: Orphanet 263662, MedGen C3551915, MONDO:0011789, OMIM 607174.

Allele frequency attached by ClinVar (database versions not stated): gnomAD exomes below 0.00001.
gnomAD v4.1: 1 of 1,613,586 alleles (0.000062%); highest among the groups gnomAD compares: African/African-American, 0.0013%; no homozygotes.

Submissions (2):

Labcorp Genetics (formerly Invitae), Labcorp
Classification: Uncertain significance for Familial meningioma. Last evaluated: 2026-01-19. Review status: criteria provided, single submitter. Criteria: Invitae Variant Classification Sherloc (09022015). Collection method: clinical testing. Allele origin: germline.
Comment: This sequence change replaces lysine, which is basic and polar, with arginine, which is basic and polar, at codon 228 of the SMARCE1 protein (p.Lys228Arg). This variant is not present in population databases (gnomAD no frequency). This variant has not been reported in the literature in individuals affected with SMARCE1-related conditions. ClinVar contains an entry for this variant (Variation ID: 1431854). Invitae Evidence Modeling of protein sequence and biophysical properties (such as structural, functional, and spatial information, amino acid conservation, physicochemical variation, residue mobility, and thermodynamic stability) indicates that this missense variant is not expected to disrupt SMARCE1 protein function with a negative predictive value of 80%. In summary, the available evidence is currently insufficient to determine the role of this variant in disease. Therefore, it has been classified as a Variant of Uncertain Significance.

Ambry Genetics
Classification: Uncertain significance for Hereditary cancer-predisposing syndrome. Last evaluated: 2025-05-30. Review status: criteria provided, single submitter. Criteria: Ambry Variant Classification Scheme 2023. Collection method: clinical testing. Allele origin: germline.
Comment: The p.K228R variant (also known as c.683A>G), located in coding exon 7 of the SMARCE1 gene, results from an A to G substitution at nucleotide position 683. The lysine at codon 228 is replaced by arginine, an amino acid with highly similar properties. This variant has been detected in multiple individuals with no reported features of Coffin-Siris syndrome (Ambry internal data). This amino acid position is highly conserved in available vertebrate species. In addition, this alteration is predicted to be tolerated by in silico analysis. Based on the supporting evidence, the association of this alteration with an increased risk of meningiomas is unknown; however, the association of this alteration with Coffin-Siris syndrome is unlikely.